The following is an entry in ClinVar:

ClinVar aggregate classification (germline): Uncertain significance (1 of 4 stars; one submission).

Conditions:
Epileptic encephalopathy. Identifiers: MedGen C0543888, HP:0200134.

Submission:

Labcorp Genetics (formerly Invitae), Labcorp
Classification: Uncertain significance for Epileptic encephalopathy. Last evaluated: 2022-03-20. Review status: criteria provided, single submitter. Criteria: Invitae Variant Classification Sherloc (09022015). Collection method: clinical testing. Allele origin: germline.
Comment: In summary, the available evidence is currently insufficient to determine the role of this variant in disease. Therefore, it has been classified as a Variant of Uncertain Significance. Algorithms developed to predict the effect of missense changes on protein structure and function (SIFT, PolyPhen-2, Align-GVGD) all suggest that this variant is likely to be disruptive. This variant has not been reported in the literature in individuals affected with FASN-related conditions. This variant is not present in population databases (gnomAD no frequency). This sequence change replaces glutamic acid, which is acidic and polar, with aspartic acid, which is acidic and polar, at codon 1751 of the FASN protein (p.Glu1751Asp).

NM_004104.5(FASN):c.5253G>C (p.Glu1751Asp)

Gene: FASN (fatty acid synthase; minus strand). Cytogenetic location: 17q25.3.
Variant type: single nucleotide variant.
Coding change: c.5253G>C on transcript NM_004104.5 (MANE Select); coding-DNA position 5253, G replaced by C.
Protein change: p.Glu1751Asp; replaces glutamic acid 1751 with aspartic acid.
Molecular consequence: missense variant.
Genome position (GRCh38, 1-based): chr17:82,083,605, C>G on the plus strand (G>C on the coding strand, the complement: FASN is on the minus strand). VCF-style: chr17-82083605-C-G. GRCh37 (hg19) VCF-style: chr17-80041481-C-G.
Other names: short protein forms E1751D.
Identifiers: ClinVar variation 2108601 (VCV002108601.4), dbSNP rs2509831944, ClinGen allele CA401539842.